The following is an entry in ClinVar:

NM_000204.5(CFI):c.415T>G (p.Phe139Val)

Gene: CFI (complement factor I; minus strand). Cytogenetic location: 4q25.
Variant type: single nucleotide variant.
Coding change: c.415T>G on transcript NM_000204.5 (MANE Select); coding-DNA position 415, T replaced by G.
Protein change: p.Phe139Val; replaces phenylalanine 139 with valine.
Molecular consequence: missense variant. On other transcripts: non-coding transcript variant (3), intron variant (1).
Genome position (GRCh38, 1-based): chr4:109,764,604, A>C on the plus strand (T>G on the coding strand, the complement: CFI is on the minus strand). VCF-style: chr4-109764604-A-C. GRCh37 (hg19) VCF-style: chr4-110685760-A-C.
Other names: c.415T>G, p.Phe139Val (NM_001318057.2, NM_001331035.2, NM_001375278.1 and 5 more transcripts); c.-127-2912T>G (NM_001375284.1); short protein forms F139V.
Identifiers: ClinVar variation 1403534 (VCV001403534.8), dbSNP rs751034950, ClinGen allele CA3042279.
Genomic context (GRCh38, chr4:109,764,604, plus strand): 5'-ACCCAAGGTCAAGGCAGGCCACGTTGGCTTCCCTCATGCTCCAGCTGCTTTTGCATATGA[A>C]CATTGTCTTATCTTGGTCCACAAGTTTTACTTCAACTATTCCCTCTGAATCTGTATTTCC-3'
Protein context (NP_000195.3, residues 129-149): VKLVDQDKTM[Phe139Val]ICKSSWSMRE

ClinVar aggregate classification (germline): Uncertain significance. Review status: criteria provided, multiple submitters, no conflicts (2 of 4 stars). 3 submissions from 3 submitters: Uncertain significance (3). Last evaluated 2026-01-11.

Allele frequency attached by ClinVar (database versions not stated): gnomAD 0.00001; ExAC 0.00004; gnomAD exomes 0.00005 and 0.00008; TOPMed 0.00006.
gnomAD v4.1: 29 of 1,614,076 alleles (0.0018%); highest among the groups gnomAD compares: Admixed American, 0.048%; no homozygotes.

Submissions (3):

Labcorp Genetics (formerly Invitae), Labcorp
Classification: Uncertain significance. Last evaluated: 2026-01-11. Review status: criteria provided, single submitter. Criteria: Invitae Variant Classification Sherloc (09022015). Collection method: clinical testing. Allele origin: germline.
Comment: This sequence change replaces phenylalanine, which is neutral and non-polar, with valine, which is neutral and non-polar, at codon 139 of the CFI protein (p.Phe139Val). This variant is present in population databases (rs751034950, gnomAD 0.05%). This variant has not been reported in the literature in individuals affected with CFI-related conditions. ClinVar contains an entry for this variant (Variation ID: 1403534). Invitae Evidence Modeling of protein sequence and biophysical properties (such as structural, functional, and spatial information, amino acid conservation, physicochemical variation, residue mobility, and thermodynamic stability) indicates that this missense variant is not expected to disrupt CFI protein function with a negative predictive value of 95%. In summary, the available evidence is currently insufficient to determine the role of this variant in disease. Therefore, it has been classified as a Variant of Uncertain Significance.

Blueprint Genetics
Classification: Uncertain significance. Last evaluated: 2018-03-21. Review status: criteria provided, single submitter. Criteria: ACMG Guidelines, 2015. Collection method: clinical testing. Allele origin: germline.

Breakthrough Genomics
Classification: Uncertain significance. Review status: criteria provided, single submitter. Criteria: ACMG Guidelines, 2015. Collection method: not provided. Allele origin: germline. Inheritance: Autosomal recessive inheritance. Affected: yes.